The following is an entry in ClinVar:

NM_001323289.2(CDKL5):c.2296A>T (p.Ser766Cys)

Gene: CDKL5 (cyclin dependent kinase like 5; plus strand). Cytogenetic location: Xp22.13.
Variant type: single nucleotide variant.
Coding change: c.2296A>T on transcript NM_001323289.2 (MANE Select); coding-DNA position 2296, A replaced by T.
Protein change: p.Ser766Cys; replaces serine 766 with cysteine.
Molecular consequence: missense variant.
Genome position (GRCh38, 1-based): chrX:18,619,886, A>T. VCF-style: chrX-18619886-A-T. GRCh37 (hg19) VCF-style: chrX-18638006-A-T.
Other names: c.2296A>T, p.Ser766Cys (NM_001037343.2, NM_003159.3); short protein forms S766C.
Identifiers: ClinVar variation 2948100 (VCV002948100.3), dbSNP rs1349029864, ClinGen allele CA412363296.

ClinVar aggregate classification (germline): Uncertain significance (1 of 4 stars; one submission).

Conditions:
Developmental and epileptic encephalopathy, 2 (DEE2). Also called: INFANTILE SPASM SYNDROME, X-LINKED 2; CDKL5 deficiency disorder. Identifiers: Orphanet 1934, Orphanet 3451, Orphanet 505652, MedGen C4750718, MONDO:0010396, OMIM 300672.
Angelman syndrome-like. Identifiers: MedGen CN128785.

Allele frequency attached by ClinVar (database versions not stated): gnomAD exomes 0.00001.
gnomAD v4.1: 12 of 1,183,355 alleles (0.001%); highest among the groups gnomAD compares: Non-Finnish European, 0.0013%; no homozygotes.

Submission:

Labcorp Genetics (formerly Invitae), Labcorp
Classification: Uncertain significance for Developmental and epileptic encephalopathy, 2; Angelman syndrome-like. Last evaluated: 2023-05-22. Review status: criteria provided, single submitter. Criteria: Invitae Variant Classification Sherloc (09022015). Collection method: clinical testing. Allele origin: germline.
Comment: This sequence change replaces serine, which is neutral and polar, with cysteine, which is neutral and slightly polar, at codon 766 of the CDKL5 protein (p.Ser766Cys). The frequency data for this variant in the population databases is considered unreliable, as metrics indicate poor data quality at this position in the gnomAD database. This variant has not been reported in the literature in individuals affected with CDKL5-related conditions. Advanced modeling of protein sequence and biophysical properties (such as structural, functional, and spatial information, amino acid conservation, physicochemical variation, residue mobility, and thermodynamic stability) performed at Invitae indicates that this missense variant is not expected to disrupt CDKL5 protein function. In summary, the available evidence is currently insufficient to determine the role of this variant in disease. Therefore, it has been classified as a Variant of Uncertain Significance.